The following is an entry in ClinVar:

NM_001042492.3(NF1):c.6312_6313del (p.Phe2104fs)

Gene: NF1 (neurofibromin 1; plus strand). Cytogenetic location: 17q11.2.
Variant type: Deletion.
Coding change: c.6312_6313del on transcript NM_001042492.3 (MANE Select); coding-DNA positions 6312 to 6313, 2 bases deleted (CC; older notation c.6312_6313delCC).
Protein change: p.Phe2104fs; shifts the reading frame from phenylalanine 2104.
Molecular consequence: frameshift variant.
Genome position (GRCh38, 1-based): chr17:31,336,799-31,336,800, CC deleted. VCF-style (leftmost placement, unchanged base first): chr17-31336798-TCC-T. GRCh37 (hg19) VCF-style: chr17-29663816-TCC-T.
Other names: c.6249_6250delCC, p.Phe2083Leufs (NM_000267.4); short protein forms F2083fs, F2104fs.
Identifiers: ClinVar variation 2846453 (VCV002846453.3), dbSNP rs2508749314, ClinGen allele CA2739267419.

ClinVar aggregate classification (germline): Pathogenic (1 of 4 stars; one submission).

Conditions:
Neurofibromatosis, type 1 (NF1). Also called: Neurofibromatosis, type I; VON RECKLINGHAUSEN DISEASE; NEUROFIBROMATOSIS, TYPE I, SOMATIC; Peripheral type neurofibromatosis. Identifiers: Orphanet 636, MedGen C0027831, MONDO:0018975, OMIM 162200. Disease mechanism: loss of function.

Submission:

Labcorp Genetics (formerly Invitae), Labcorp
Classification: Pathogenic for Neurofibromatosis, type 1. Last evaluated: 2023-03-17. Review status: criteria provided, single submitter. Criteria: Invitae Variant Classification Sherloc (09022015). Collection method: clinical testing. Allele origin: germline.
Comment: For these reasons, this variant has been classified as Pathogenic. This variant has not been reported in the literature in individuals affected with NF1-related conditions. This variant is not present in population databases (gnomAD no frequency). This sequence change creates a premature translational stop signal (p.Phe2083Leufs*15) in the NF1 gene. It is expected to result in an absent or disrupted protein product. Loss-of-function variants in NF1 are known to be pathogenic (PMID: 10712197, 23913538).

Literature cited by the submitters: PubMed 10712197; PubMed 23913538.